The following is an entry in ClinVar:

NM_138409.4(MRAP2):c.574G>C (p.Glu192Gln)

Gene: MRAP2 (melanocortin 2 receptor accessory protein 2; plus strand). Cytogenetic location: 6q14.2.
Variant type: single nucleotide variant.
Coding change: c.574G>C on transcript NM_138409.4 (MANE Select); coding-DNA position 574, G replaced by C.
Protein change: p.Glu192Gln; replaces glutamic acid 192 with glutamine.
Molecular consequence: missense variant.
Genome position (GRCh38, 1-based): chr6:84,089,437, G>C. VCF-style: chr6-84089437-G-C. GRCh37 (hg19) VCF-style: chr6-84799156-G-C.
Other names: c.316G>C, p.Glu106Gln (NM_001346541.2); c.574G>C, p.Glu192Gln (NM_001346542.2, NM_001346544.2); c.409G>C, p.Glu137Gln (NM_001346543.2); short protein forms E137Q, E192Q, E106Q.
Identifiers: ClinVar variation 4999486 (VCV004999486.1).
Genomic context (GRCh38, chr6:84,089,437, plus strand): 5'-ACAGACCAGAACTACTTTGGGGAGGATGATCTTCTGATTTCTGAACCACCTATTGTTCTG[G>C]AAACTAAGCCACTTTCCCAGACCTCACACAAAGACCTGGATTGAGAAACATGCTCTGTAA-3'
Protein context (NP_612418.2, residues 182-202): LLISEPPIVL[Glu192Gln]TKPLSQTSHK

ClinVar aggregate classification (germline): Uncertain significance (1 of 4 stars; one submission).

Conditions:
MRAP2-related disorder. Also called: MRAP2-related condition.

Submission:

PreventionGenetics, part of Exact Sciences
Classification: Uncertain significance for MRAP2-related condition. Last evaluated: 2024-12-23. Review status: criteria provided, single submitter. Criteria: ACMG Guidelines, 2015. Collection method: clinical testing. Allele origin: germline.
Comment: The MRAP2 c.574G>C variant is predicted to result in the amino acid substitution p.Glu192Gln. To our knowledge, this variant has not been reported in the literature or in a large population database (gnomAD), indicating this variant is rare. At this time, the clinical significance of this variant is uncertain due to the absence of conclusive functional and genetic evidence.